The following is an entry in ClinVar:

ClinVar aggregate classification (germline): Uncertain significance (1 of 4 stars; one submission).

Conditions:
Intellectual developmental disorder, autosomal dominant 46. Also called: MENTAL RETARDATION, AUTOSOMAL DOMINANT 46; Intellectual disability, autosomal dominant 46. Identifiers: MedGen C4539851, MONDO:0030911, OMIM 617601.

Submission:

Dasa
Classification: Uncertain significance for Intellectual developmental disorder, autosomal dominant 46. Last evaluated: 2025-04-19. Review status: criteria provided, single submitter. Criteria: DASA Assertion Criteria. Collection method: clinical testing. Allele origin: germline.
Comment: NM_019842.4(KCNQ5):c.2201A>G (p.Asn734Ser) is a missense variant that results in the substitution of asparagine with serine. This variant is absent from population databases. Computational prediction algorithms are consistent with a benign effect. The currently available literature and clinical evidence are not sufficient to establish a definitive association between this variant and the reported condition. Therefore, this variant is classified as a variant of uncertain significance.

NM_019842.4(KCNQ5):c.2201A>G (p.Asn734Ser)

Gene: KCNQ5 (potassium voltage-gated channel subfamily Q member 5; plus strand). Cytogenetic location: 6q13.
Variant type: single nucleotide variant.
Coding change: c.2201A>G on transcript NM_019842.4 (MANE Select); coding-DNA position 2201, A replaced by G.
Protein change: p.Asn734Ser; replaces asparagine 734 with serine.
Molecular consequence: missense variant.
Genome position (GRCh38, 1-based): chr6:73,194,816, A>G. VCF-style: chr6-73194816-A-G. GRCh37 (hg19) VCF-style: chr6-73904539-A-G.
Other names: c.2258A>G, p.Asn753Ser (NM_001160133.2); c.1871A>G, p.Asn624Ser (NM_001160134.2); c.2174A>G, p.Asn725Ser (NM_001160130.2); c.2231A>G, p.Asn744Ser (NM_001160132.2); short protein forms N624S, N725S, N734S, N744S, N753S.
Identifiers: ClinVar variation 4881174 (VCV004881174.2).
Genomic context (GRCh38, chr6:73,194,816, plus strand): 5'-CACAGGTGCCAATTAGTCAAAGCGATGGCTCAGCAGTGGCAGCCACCAACACCATTGCAA[A>G]CCAAATAAATACGGCACCCAAGCCAGCAGCCCCAACAACTTTACAGATCCCACCTCCTCT-3'
Protein context (NP_062816.2, residues 724-744): SAVAATNTIA[Asn734Ser]QINTAPKPAA